The following is an entry in ClinVar:

ClinVar aggregate classification (germline): Uncertain significance (1 of 4 stars; one submission).

Submission:

Labcorp Genetics (formerly Invitae), Labcorp
Classification: Uncertain significance. Last evaluated: 2022-03-20. Review status: criteria provided, single submitter. Criteria: Invitae Variant Classification Sherloc (09022015). Collection method: clinical testing. Allele origin: germline.
Comment: This sequence change replaces proline, which is neutral and non-polar, with arginine, which is basic and polar, at codon 82 of the OCA2 protein (p.Pro82Arg). This variant is not present in population databases (gnomAD no frequency). This variant has not been reported in the literature in individuals affected with OCA2-related conditions. Advanced modeling of protein sequence and biophysical properties (such as structural, functional, and spatial information, amino acid conservation, physicochemical variation, residue mobility, and thermodynamic stability) performed at Invitae indicates that this missense variant is not expected to disrupt OCA2 protein function. In summary, the available evidence is currently insufficient to determine the role of this variant in disease. Therefore, it has been classified as a Variant of Uncertain Significance.

NM_000275.3(OCA2):c.245C>G (p.Pro82Arg)

Gene: OCA2 (OCA2 melanosomal transmembrane protein; minus strand). Cytogenetic location: 15q13.1.
Variant type: single nucleotide variant.
Coding change: c.245C>G on transcript NM_000275.3 (MANE Select); coding-DNA position 245, C replaced by G.
Protein change: p.Pro82Arg; replaces proline 82 with arginine.
Molecular consequence: missense variant.
Genome position (GRCh38, 1-based): chr15:28,032,146, G>C on the plus strand (C>G on the coding strand, the complement: OCA2 is on the minus strand). VCF-style: chr15-28032146-G-C. GRCh37 (hg19) VCF-style: chr15-28277292-G-C.
Other names: c.245C>G, p.Pro82Arg (NM_001300984.2); short protein forms P82R.
Identifiers: ClinVar variation 2114882 (VCV002114882.1), dbSNP rs1001541163, ClinGen allele CA391363193.